The following is an entry in ClinVar:

ClinVar aggregate classification (germline): Likely pathogenic (1 of 4 stars; one submission).

Conditions:
Fabry disease. Also called: ALPHA-GALACTOSIDASE A DEFICIENCY; ANDERSON-FABRY DISEASE; CERAMIDE TRIHEXOSIDASE DEFICIENCY; GLA DEFICIENCY; HEREDITARY DYSTOPIC LIPIDOSIS; Angiokeratoma corporis diffusum. Identifiers: Orphanet 324, MedGen C0002986, MONDO:0010526, OMIM 301500, HP:0001071. Disease mechanism: Fabry disease is due to inactivating mutations in the X-linked GLA gene resulting in deficiency of the enzyme Alpha Galactosidase-A., loss of function.

Submission:

Genomenon, Inc
Classification: Likely pathogenic for Fabry disease. Last evaluated: 2026-09-08. Review status: criteria provided, single submitter. Criteria: Genomenon Sequence Variant Interpretation Standards - Updated. Collection method: curation. Allele origin: germline. Affected: yes.
Comment: GLA p.Ala292Val (c.875C>T) is a missense variant that changes the amino acid at codon 292 from Alanine to Valine. This variant has been observed in at least one proband with clinical features consistent with Fabry disease (PMID:24334114;32442237;39362930;22551898). At least one functional study has demonstrated a substantial alteration in protein function relative to the wild-type (PMID:27657681). It is absent or not present at a significant frequency in gnomAD. In silico models predict that this variant is possibly or probably damaging. In conclusion, we classify GLA p.Ala292Val (c.875C>T) as a likely pathogenic variant.

Literature cited by the submitters: PubMed 24334114; PubMed 32442237; PubMed 39362930; PubMed 22551898; PubMed 27657681.

NM_000169.3(GLA):c.875C>T (p.Ala292Val)

Genes: GLA (galactosidase alpha; minus strand), RPL36A-HNRNPH2 (RPL36A-HNRNPH2 readthrough; plus strand). Cytogenetic location: Xq22.1.
Variant type: single nucleotide variant.
Coding change: c.875C>T on transcript NM_000169.3 (MANE Select); coding-DNA position 875, C replaced by T.
Protein change: p.Ala292Val; replaces alanine 292 with valine.
Molecular consequence: missense variant. On other transcripts: non-coding transcript variant (3), intron variant (2).
Genome position (GRCh38, 1-based): chrX:101,398,494, G>A on the plus strand (C>T on the coding strand, the complement: GLA is on the minus strand). VCF-style: chrX-101398494-G-A. GRCh37 (hg19) VCF-style: chrX-100653482-G-A.
Other names: c.998C>T, p.Ala333Val (NM_001406747.1); c.875C>T, p.Ala292Val (NM_001406748.1); c.300+3037G>A (NM_001199973.2); c.177+6672G>A (NM_001199974.2); short protein forms A292V, A333V.
Identifiers: ClinVar variation 4087561 (VCV004087561.2), dbSNP rs782298737.